The following is an entry in ClinVar:

ClinVar aggregate classification (germline): Conflicting classifications of pathogenicity. Review status: criteria provided, conflicting classifications (1 of 4 stars). 3 submissions from 3 submitters: Uncertain significance (1); Likely benign (2). Last evaluated 2025-03-12.

Conditions:
Cardiovascular phenotype. Identifiers: MedGen CN230736.

Allele frequency attached by ClinVar (database versions not stated): gnomAD 0.00003; ExAC 0.00004; gnomAD exomes 0.00004.
gnomAD v4.1: 87 of 1,613,674 alleles (0.0054%); highest among the groups gnomAD compares: Non-Finnish European, 0.0068%; no homozygotes.

Submissions (3):

GeneDx
Classification: Uncertain significance. Last evaluated: 2025-03-12. Review status: criteria provided, single submitter. Criteria: GeneDx Variant Classification Process June 2021. Collection method: clinical testing. Allele origin: germline. Affected: yes.
Comment: In silico analysis supports a deleterious effect on splicing; Has not been previously published as pathogenic or benign to our knowledge

Blueprint Genetics
Classification: Likely benign. Last evaluated: 2022-02-25. Review status: criteria provided, single submitter. Criteria: ACMG Guidelines, 2015. Collection method: clinical testing. Allele origin: germline.

Ambry Genetics
Classification: Likely benign for Cardiovascular phenotype. Last evaluated: 2019-05-25. Review status: criteria provided, single submitter. Criteria: Ambry Variant Classification Scheme 2023. Collection method: clinical testing. Allele origin: germline.

NM_001267550.2(TTN):c.96708A>G (p.Gly32236=)

Genes: TTN (titin; minus strand), TTN-AS1 (TTN antisense RNA 1; plus strand), LOC126806421 (CDK7 strongly-dependent group 2 enhancer GRCh37_chr2:179407630-179408829; plus strand). Cytogenetic location: 2q31.2.
Variant type: single nucleotide variant.
Coding change: c.96708A>G on transcript NM_001267550.2 (MANE Select); coding-DNA position 96708, A replaced by G.
Protein change: p.Gly32236=; no amino-acid change (glycine 32236 retained).
Molecular consequence: synonymous variant.
Genome position (GRCh38, 1-based): chr2:178,543,265, T>C on the plus strand (A>G on the coding strand, the complement: TTN is on the minus strand). VCF-style: chr2-178543265-T-C. GRCh37 (hg19) VCF-style: chr2-179407992-T-C.
Other names: c.96708A>G (NM_001267550.1); c.91785A>G, p.Gly30595= (NM_001256850.1); c.69513A>G, p.Gly23171= (NM_003319.4); c.89004A>G, p.Gly29668= (NM_133378.4); c.69888A>G, p.Gly23296= (NM_133432.3); c.70089A>G, p.Gly23363= (NM_133437.4).
Identifiers: ClinVar variation 1302557 (VCV001302557.6), dbSNP rs752066259, ClinGen allele CA1986722.